The following is an entry in ClinVar:

ClinVar aggregate classification (germline): Uncertain significance (1 of 4 stars; one submission).

Conditions:
Charcot-Marie-Tooth disease, type I (CMT1). Also called: Charcot-Marie-Tooth, Type 1; Charcot-Marie-Tooth disease type 1. Identifiers: Orphanet 65753, MedGen C0751036, MONDO:0019011.

gnomAD v4.1: 1 of 1,613,990 alleles (0.000062%); highest among the groups gnomAD compares: Admixed American, 0.0017%; no homozygotes.

Submission:

Labcorp Genetics (formerly Invitae), Labcorp
Classification: Uncertain significance for Charcot-Marie-Tooth disease, type I. Last evaluated: 2026-01-04. Review status: criteria provided, single submitter. Criteria: Invitae Variant Classification Sherloc (09022015). Collection method: clinical testing. Allele origin: germline.
Comment: This sequence change replaces tyrosine, which is neutral and polar, with histidine, which is basic and polar, at codon 182 of the EGR2 protein (p.Tyr182His). This variant is not present in population databases (gnomAD no frequency). This variant has not been reported in the literature in individuals affected with EGR2-related conditions. Invitae Evidence Modeling of protein sequence and biophysical properties (such as structural, functional, and spatial information, amino acid conservation, physicochemical variation, residue mobility, and thermodynamic stability) has been performed for this missense variant. However, the output from this modeling did not meet the statistical confidence thresholds required to predict the impact of this variant on EGR2 protein function. In summary, the available evidence is currently insufficient to determine the role of this variant in disease. Therefore, it has been classified as a Variant of Uncertain Significance.

NM_000399.5(EGR2):c.544T>C (p.Tyr182His)

Gene: EGR2 (early growth response 2; minus strand). Cytogenetic location: 10q21.3.
Variant type: single nucleotide variant.
Coding change: c.544T>C on transcript NM_000399.5 (MANE Select); coding-DNA position 544, T replaced by C.
Protein change: p.Tyr182His; replaces tyrosine 182 with histidine.
Molecular consequence: missense variant.
Genome position (GRCh38, 1-based): chr10:62,814,094, A>G on the plus strand (T>C on the coding strand, the complement: EGR2 is on the minus strand). VCF-style: chr10-62814094-A-G. GRCh37 (hg19) VCF-style: chr10-64573854-A-G.
Other names: c.544T>C, p.Tyr182His (NM_001136177.3, NM_001136178.2); c.394T>C, p.Tyr132His (NM_001136179.3, NM_001321037.2); c.583T>C, p.Tyr195His (NM_001410931.1); short protein forms Y132H, Y195H, Y182H.
Identifiers: ClinVar variation 4703804 (VCV004703804.1).